The following is an entry in ClinVar:

NM_005676.5(RBM10):c.1292C>T (p.Pro431Leu)

Gene: RBM10 (RNA binding motif protein 10; plus strand). Cytogenetic location: Xp11.3.
Variant type: single nucleotide variant.
Coding change: c.1292C>T on transcript NM_005676.5 (MANE Select); coding-DNA position 1292, C replaced by T.
Protein change: p.Pro431Leu; replaces proline 431 with leucine.
Molecular consequence: missense variant.
Genome position (GRCh38, 1-based): chrX:47,181,258, C>T. VCF-style: chrX-47181258-C-T. GRCh37 (hg19) VCF-style: chrX-47040657-C-T.
Other names: c.1061C>T, p.Pro354Leu (NM_001204466.2); c.1289C>T, p.Pro430Leu (NM_001204467.2); c.1487C>T, p.Pro496Leu (NM_001204468.2); c.1058C>T, p.Pro353Leu (NM_152856.3); short protein forms P354L, P353L, P430L, P431L, P496L.
Identifiers: ClinVar variation 2117075 (VCV002117075.4), dbSNP rs11551150, ClinGen allele CA412800630.

ClinVar aggregate classification (germline): Uncertain significance (1 of 4 stars; one submission).

Allele frequency attached by ClinVar (database versions not stated): TOPMed below 0.00001; gnomAD exomes 0.00001.
gnomAD v4.1: 5 of 1,171,552 alleles (0.00043%); highest among the groups gnomAD compares: South Asian, 0.0038%; no homozygotes.

Submission:

Labcorp Genetics (formerly Invitae), Labcorp
Classification: Uncertain significance. Last evaluated: 2023-11-01. Review status: criteria provided, single submitter. Criteria: Invitae Variant Classification Sherloc (09022015). Collection method: clinical testing. Allele origin: germline.
Comment: This sequence change replaces proline, which is neutral and non-polar, with leucine, which is neutral and non-polar, at codon 431 of the RBM10 protein (p.Pro431Leu). The frequency data for this variant in the population databases is considered unreliable, as metrics indicate poor data quality at this position in the gnomAD database. This variant has not been reported in the literature in individuals affected with RBM10-related conditions. ClinVar contains an entry for this variant (Variation ID: 2117075). An algorithm developed to predict the effect of missense changes on protein structure and function (PolyPhen-2) suggests that this variant is likely to be tolerated. In summary, the available evidence is currently insufficient to determine the role of this variant in disease. Therefore, it has been classified as a Variant of Uncertain Significance.